The following is an entry in ClinVar:

NM_024301.5(FKRP):c.1177G>C (p.Val393Leu)

Gene: FKRP (fukutin related protein; plus strand). Cytogenetic location: 19q13.32.
Variant type: single nucleotide variant.
Coding change: c.1177G>C on transcript NM_024301.5 (MANE Select); coding-DNA position 1177, G replaced by C.
Protein change: p.Val393Leu; replaces valine 393 with leucine.
Molecular consequence: missense variant.
Genome position (GRCh38, 1-based): chr19:46,756,627, G>C. VCF-style: chr19-46756627-G-C. GRCh37 (hg19) VCF-style: chr19-47259884-G-C.
Other names: c.1177G>C, p.Val393Leu (NM_001039885.3); short protein forms V393L.
Identifiers: ClinVar variation 1355054 (VCV001355054.5), dbSNP rs140679502, ClinGen allele CA9532268.

ClinVar aggregate classification (germline): Uncertain significance (1 of 4 stars; one submission).

Conditions:
Walker-Warburg congenital muscular dystrophy. Also called: Muscular dystrophy-dystroglycanopathy, type A; Walker-Warburg syndrome. Identifiers: Orphanet 899, MedGen C0265221, MONDO:0000171.

gnomAD v4.1: 12 of 1,612,844 alleles (0.00074%); highest among the groups gnomAD compares: East Asian, 0.025%; no homozygotes.

Submission:

Labcorp Genetics (formerly Invitae), Labcorp
Classification: Uncertain significance for Walker-Warburg congenital muscular dystrophy. Last evaluated: 2021-08-30. Review status: criteria provided, single submitter. Criteria: Invitae Variant Classification Sherloc (09022015). Collection method: clinical testing. Allele origin: germline.
Comment: This sequence change replaces valine with leucine at codon 393 of the FKRP protein (p.Val393Leu). The valine residue is highly conserved and there is a small physicochemical difference between valine and leucine. This variant is present in population databases (rs140679502, ExAC 0.007%). This variant has not been reported in the literature in individuals affected with FKRP-related conditions. Algorithms developed to predict the effect of missense changes on protein structure and function are either unavailable or do not agree on the potential impact of this missense change (SIFT: "Tolerated"; PolyPhen-2: "Probably Damaging"; Align-GVGD: "Class C0"). In summary, the available evidence is currently insufficient to determine the role of this variant in disease. Therefore, it has been classified as a Variant of Uncertain Significance.